The following is an entry in ClinVar:

ClinVar aggregate classification (germline): Likely benign. Review status: criteria provided, multiple submitters, no conflicts (2 of 4 stars). 3 submissions from 3 submitters: Likely benign (3). Last evaluated 2024-11-25.

Conditions:
Neuropathy, hereditary sensory and autonomic, type 1C. Also called: HSAN IC; HSN IC. Identifiers: Orphanet 36386, MedGen C3150896, MONDO:0013337, OMIM 613640.

Allele frequency attached by ClinVar (database versions not stated): gnomAD 0.00001 and 0.00002; TOPMed 0.00002; gnomAD exomes 0.00005 and 0.00008; ExAC 0.00007.
gnomAD v4.1: 72 of 1,607,534 alleles (0.0045%); highest among the groups gnomAD compares: South Asian, 0.043%; 1 homozygote.

Submissions (3):

Blueprint Genetics
Classification: Likely benign. Last evaluated: 2024-11-25. Review status: criteria provided, single submitter. Criteria: ACMG Guidelines, 2015. Collection method: clinical testing. Allele origin: germline.

Labcorp Genetics (formerly Invitae), Labcorp
Classification: Likely benign for Neuropathy, hereditary sensory and autonomic, type 1C. Last evaluated: 2024-03-28. Review status: criteria provided, single submitter. Criteria: Invitae Variant Classification Sherloc (09022015). Collection method: clinical testing. Allele origin: germline.

GeneDx
Classification: Likely benign. Last evaluated: 2016-08-05. Review status: criteria provided, single submitter. Criteria: GeneDx Variant Classification (06012015). Collection method: clinical testing. Allele origin: germline. Affected: yes.
Comment: This variant is considered likely benign or benign based on one or more of the following criteria: it is a conservative change, it occurs at a poorly conserved position in the protein, it is predicted to be benign by multiple in silico algorithms, and/or has population frequency not consistent with disease.

NM_004863.4(SPTLC2):c.956+10C>G

Gene: SPTLC2 (serine palmitoyltransferase long chain base subunit 2; minus strand). Cytogenetic location: 14q24.3.
Variant type: single nucleotide variant.
Coding change: c.956+10C>G on transcript NM_004863.4 (MANE Select); 10 bases into the intron after coding-DNA position 956, C replaced by G.
Molecular consequence: intron variant.
Genome position (GRCh38, 1-based): chr14:77,557,031, G>C on the plus strand (C>G on the coding strand, the complement: SPTLC2 is on the minus strand). VCF-style: chr14-77557031-G-C. GRCh37 (hg19) VCF-style: chr14-78023374-G-C.
Identifiers: ClinVar variation 388381 (VCV000388381.10), dbSNP rs767903051, ClinGen allele CA7289317.